The following is an entry in ClinVar:

NM_001204.7(BMPR2):c.345C>G (p.Phe115Leu)

Gene: BMPR2 (bone morphogenetic protein receptor type 2; plus strand). Cytogenetic location: 2q33.1.
Variant type: single nucleotide variant.
Coding change: c.345C>G on transcript NM_001204.7 (MANE Select); coding-DNA position 345, C replaced by G.
Protein change: p.Phe115Leu; replaces phenylalanine 115 with leucine.
Molecular consequence: missense variant.
Genome position (GRCh38, 1-based): chr2:202,467,616, C>G. VCF-style: chr2-202467616-C-G. GRCh37 (hg19) VCF-style: chr2-203332339-C-G.
Other names: short protein forms F115L.
Identifiers: ClinVar variation 2630809 (VCV002630809.1), dbSNP rs1477702801, ClinGen allele CA350399718.

ClinVar aggregate classification (germline): Uncertain significance (1 of 4 stars; one submission).

Conditions:
BMPR2-related disorder. Also called: BMPR2-related condition; BMPR2-related disorders.

Submission:

PreventionGenetics, part of Exact Sciences
Classification: Uncertain significance for BMPR2-related condition. Last evaluated: 2023-09-12. Review status: criteria provided, single submitter. Criteria: ACMG Guidelines, 2015. Collection method: clinical testing. Allele origin: germline.
Comment: The BMPR2 c.345C>G variant is predicted to result in the amino acid substitution p.Phe115Leu. To our knowledge, this variant has not been reported in the literature or in a large population database, indicating this variant is rare. Of note, different missense variants affecting the same amino acid (p.Phe115Ser, p.Phe115Cys) and adjacent amino acids (p.Arg114Pro, p.Cys116Arg, p.Cys116Ser, p.Cys116Trp) have been reported in individuals with pulmonary arterial hypertension (Human Gene Mutation Database). Although we suspect this variant may be pathogenic, at this time, the clinical significance of this variant is uncertain due to the absence of conclusive functional and genetic evidence.